The following is an entry in ClinVar:

ClinVar aggregate classification (germline): Uncertain significance (1 of 4 stars; one submission).

Conditions:
Pseudohypoaldosteronism type 2C (PHA2C). Also called: Pseudohypoaldosteronism Type IIC. Identifiers: Orphanet 757, Orphanet 88940, MedGen C1840391, MONDO:0013778, OMIM 614492.
Neuropathy, hereditary sensory and autonomic, type 2A (HSAN2A). Also called: ACROOSTEOLYSIS, GIACCAI TYPE; ACROOSTEOLYSIS, NEUROGENIC; MORVAN DISEASE; NEUROPATHY, CONGENITAL SENSORY; NEUROPATHY, HEREDITARY SENSORY RADICULAR, AUTOSOMAL RECESSIVE; HSAN IIA. Identifiers: Orphanet 970, MedGen C2752089, MONDO:0024309, OMIM 201300.

Submission:

Labcorp Genetics (formerly Invitae), Labcorp
Classification: Uncertain significance for Neuropathy, hereditary sensory and autonomic, type 2A; Pseudohypoaldosteronism type 2C. Last evaluated: 2022-09-14. Review status: criteria provided, single submitter. Criteria: Invitae Variant Classification Sherloc (09022015). Collection method: clinical testing. Allele origin: germline.
Comment: This sequence change replaces methionine, which is neutral and non-polar, with leucine, which is neutral and non-polar, at codon 2526 of the WNK1 protein (p.Met2526Leu). This variant is not present in population databases (gnomAD no frequency). This variant has not been reported in the literature in individuals affected with WNK1-related conditions. Advanced modeling of protein sequence and biophysical properties (such as structural, functional, and spatial information, amino acid conservation, physicochemical variation, residue mobility, and thermodynamic stability) performed at Invitae indicates that this missense variant is not expected to disrupt WNK1 protein function. In summary, the available evidence is currently insufficient to determine the role of this variant in disease. Therefore, it has been classified as a Variant of Uncertain Significance.

NM_018979.4(WNK1):c.6820A>C (p.Met2274Leu)

Gene: WNK1 (WNK lysine deficient protein kinase 1; plus strand). Cytogenetic location: 12p13.33.
Variant type: single nucleotide variant.
Coding change: c.6820A>C on transcript NM_018979.4 (MANE Select); coding-DNA position 6820, A replaced by C.
Protein change: p.Met2274Leu; replaces methionine 2274 with leucine.
Molecular consequence: missense variant.
Genome position (GRCh38, 1-based): chr12:908,023, A>C. VCF-style: chr12-908023-A-C. GRCh37 (hg19) VCF-style: chr12-1017189-A-C.
Other names: c.7600A>C, p.Met2534Leu (NM_001184985.2); c.6076A>C, p.Met2026Leu (NM_014823.3); c.7576A>C, p.Met2526Leu (NM_213655.5); short protein forms M2274L, M2526L, M2534L, M2026L.
Identifiers: ClinVar variation 1905516 (VCV001905516.5), dbSNP rs780823198, ClinGen allele CA383340699.